The following is an entry in ClinVar:

ClinVar aggregate classification (germline): Uncertain significance (1 of 4 stars; one submission).

gnomAD v4.1: 2 of 1,613,816 alleles (0.00012%); highest among the groups gnomAD compares: East Asian, 0.0022%; no homozygotes.

Submission:

GeneDx
Classification: Uncertain significance. Last evaluated: 2026-02-03. Review status: criteria provided, single submitter. Criteria: GeneDx Variant Classification Process June 2021. Collection method: clinical testing. Allele origin: germline.
Comment: Not observed at significant frequency in large population cohorts (gnomAD); In silico analysis supports that this missense variant has a deleterious effect on protein structure/function; Has not been previously published as pathogenic or benign to our knowledge

NM_001385012.1(NBEA):c.6467C>T (p.Thr2156Ile)

Gene: NBEA (neurobeachin; plus strand). Cytogenetic location: 13q13.3.
Variant type: single nucleotide variant.
Coding change: c.6467C>T on transcript NM_001385012.1 (MANE Select); coding-DNA position 6467, C replaced by T.
Protein change: p.Thr2156Ile; replaces threonine 2156 with isoleucine.
Molecular consequence: missense variant.
Genome position (GRCh38, 1-based): chr13:35,472,418, C>T. VCF-style: chr13-35472418-C-T. GRCh37 (hg19) VCF-style: chr13-36046555-C-T.
Other names: c.6458C>T, p.Thr2153Ile (NM_001379245.1); c.6467C>T, p.Thr2156Ile (NM_015678.5); short protein forms T2153I, T2156I.
Identifiers: ClinVar variation 4975293 (VCV004975293.1).
Genomic context (GRCh38, chr13:35,472,418, plus strand): 5'-CCACAGGGGCTCAGCCTGACTCCCCTTGTCCTTGCCTTGCAGGCCCAGTGGTTCTCAGCA[C>T]CCCTGCCCAGCTCATCGCTCCCGTGGTGGTGGCCAAGGGGACTCTCTCCATCACCACGAC-3'
Protein context (NP_001371941.1, residues 2146-2166): DNLAGPVVLS[Thr2156Ile]PAQLIAPVVV